The following is an entry in ClinVar:

ClinVar aggregate classification (germline): Uncertain significance. Review status: criteria provided, multiple submitters, no conflicts (2 of 4 stars). 2 submissions from 2 submitters: Uncertain significance (2). Last evaluated 2025-11-05.

Conditions:
Hereditary cancer-predisposing syndrome. Also called: Hereditary neoplastic syndrome; Tumor predisposition; Neoplastic Syndromes, Hereditary; Hereditary Cancer Syndrome. Identifiers: Orphanet 140162, MedGen C0027672, MeSH D009386, MONDO:0015356.

Allele frequency attached by ClinVar (database versions not stated): gnomAD exomes below 0.00001.
gnomAD v4.1: 1 of 1,612,028 alleles (0.000062%); highest among the groups gnomAD compares: Non-Finnish European, 0.000085%; no homozygotes.

Submissions (2):

Labcorp Genetics (formerly Invitae), Labcorp
Classification: Uncertain significance. Last evaluated: 2025-11-05. Review status: criteria provided, single submitter. Criteria: Invitae Variant Classification Sherloc (09022015). Collection method: clinical testing. Allele origin: germline.
Comment: This sequence change replaces lysine, which is basic and polar, with glutamic acid, which is acidic and polar, at codon 714 of the MSH3 protein (p.Lys714Glu). This variant is not present in population databases (gnomAD no frequency). This variant has not been reported in the literature in individuals affected with MSH3-related conditions. ClinVar contains an entry for this variant (Variation ID: 1505769). An algorithm developed to predict the effect of missense changes on protein structure and function outputs the following: PolyPhen-2: "Benign". The glutamic acid amino acid residue is found in multiple mammalian species, which suggests that this missense change does not adversely affect protein function. Algorithms developed to predict the effect of sequence changes on RNA splicing suggest that this variant may create or strengthen a splice site. In summary, the available evidence is currently insufficient to determine the role of this variant in disease. Therefore, it has been classified as a Variant of Uncertain Significance.

Ambry Genetics
Classification: Uncertain significance for Hereditary cancer-predisposing syndrome. Last evaluated: 2024-10-12. Review status: criteria provided, single submitter. Criteria: Ambry Variant Classification Scheme 2023. Collection method: clinical testing. Allele origin: germline.
Comment: The p.K714E variant (also known as c.2140A>G), located in coding exon 15 of the MSH3 gene, results from an A to G substitution at nucleotide position 2140. The lysine at codon 714 is replaced by glutamic acid, an amino acid with similar properties. This amino acid position is not well conserved in available vertebrate species. In addition, this alteration is predicted to be tolerated by in silico analysis. Since supporting evidence is limited at this time, the clinical significance of this alteration remains unclear.

NM_002439.5(MSH3):c.2140A>G (p.Lys714Glu)

Gene: MSH3 (mutS homolog 3; plus strand). Cytogenetic location: 5q14.1.
Variant type: single nucleotide variant.
Coding change: c.2140A>G on transcript NM_002439.5 (MANE Select); coding-DNA position 2140, A replaced by G.
Protein change: p.Lys714Glu; replaces lysine 714 with glutamic acid.
Molecular consequence: missense variant.
Genome position (GRCh38, 1-based): chr5:80,768,890, A>G. VCF-style: chr5-80768890-A-G. GRCh37 (hg19) VCF-style: chr5-80064709-A-G.
Other names: short protein forms K714E.
Identifiers: ClinVar variation 1505769 (VCV001505769.9), dbSNP rs2112885160, ClinGen allele CA360279367.